The following is an entry in ClinVar:

ClinVar aggregate classification (germline): Uncertain significance (1 of 4 stars; one submission).

Allele frequency attached by ClinVar (database versions not stated): gnomAD 0.00001; gnomAD exomes 0.00001; TOPMed 0.00002.
gnomAD v4.1: 12 of 1,611,748 alleles (0.00074%); highest among the groups gnomAD compares: Admixed American, 0.0067%; no homozygotes.

Submission:

Labcorp Genetics (formerly Invitae), Labcorp
Classification: Uncertain significance. Last evaluated: 2025-09-08. Review status: criteria provided, single submitter. Criteria: Invitae Variant Classification Sherloc (09022015). Collection method: clinical testing. Allele origin: germline.
Comment: This sequence change replaces arginine, which is basic and polar, with histidine, which is basic and polar, at codon 491 of the TNNI3K protein (p.Arg491His). This variant is present in population databases (no rsID available, gnomAD 0.006%). This variant has not been reported in the literature in individuals affected with TNNI3K-related conditions. ClinVar contains an entry for this variant (Variation ID: 1447701). An algorithm developed to predict the effect of missense changes on protein structure and function outputs the following: PolyPhen-2: "Benign". The histidine amino acid residue is found in multiple mammalian species, which suggests that this missense change does not adversely affect protein function. Algorithms developed to predict the effect of sequence changes on RNA splicing suggest that this variant may disrupt the consensus splice site. In summary, the available evidence is currently insufficient to determine the role of this variant in disease. Therefore, it has been classified as a Variant of Uncertain Significance.

NM_015978.3(TNNI3K):c.1472G>A (p.Arg491His)

Genes: FPGT-TNNI3K (FPGT-TNNI3K readthrough; plus strand), TNNI3K (TNNI3 interacting kinase; plus strand). Cytogenetic location: 1p31.1.
Variant type: single nucleotide variant.
Coding change: c.1472G>A on transcript NM_015978.3 (MANE Select); coding-DNA position 1472, G replaced by A.
Protein change: p.Arg491His; replaces arginine 491 with histidine.
Molecular consequence: missense variant.
Genome position (GRCh38, 1-based): chr1:74,369,264, G>A. VCF-style: chr1-74369264-G-A. GRCh37 (hg19) VCF-style: chr1-74834948-G-A.
Other names: c.1775G>A, p.Arg592His (NM_001112808.3, NM_001199327.2); short protein forms R491H, R592H.
Identifiers: ClinVar variation 1447701 (VCV001447701.9), dbSNP rs192259069, ClinGen allele CA24544781.